The following is an entry in ClinVar:

NM_001059.3(TACR3):c.370del (p.Leu124_Val125insTer)

Gene: TACR3 (tachykinin receptor 3; minus strand). Cytogenetic location: 4q24.
Variant type: Deletion.
Coding change: c.370del on transcript NM_001059.3 (MANE Select); coding-DNA position 370, one base deleted (C; older notation c.370delC).
Protein change: p.Leu124_Val125insTer.
Molecular consequence: frameshift variant.
Genome position (GRCh38, 1-based): chr4:103,719,306, G deleted on the plus strand (C on the coding strand, the reverse complement: TACR3 is on the minus strand); the first of 2 consecutive G bases (chr4:103,719,306-103,719,307); deleting either gives the same sequence. VCF-style (leftmost placement, unchanged base first): chr4-103719305-AG-A. GRCh37 (hg19) VCF-style: chr4-104640462-AG-A.
Identifiers: ClinVar variation 1691567 (VCV001691567.4), dbSNP rs527698386, ClinGen allele CA103202962.
Genomic context (GRCh38, chr4:103,719,305, plus strand): 5'-ATGAAATTGACCAACGTGTTGAAGGCGGCCATGGAGGCGTCGGAGAAAGCCAGGTTCACA[AG>A]GAAGTAGTTGGTGACAGTCCTCATGCGCTTGTGGGCCAGGATGATCCAGATGACGATGAG-3'

ClinVar aggregate classification (germline): Pathogenic (1 of 4 stars; one submission).

Submission:

Centre of Medical Genetics, University Hospital Muenster
Classification: Pathogenic. Last evaluated: 2022-04-04. Review status: criteria provided, single submitter. Criteria: ACMG Guidelines, 2015. Collection method: clinical testing. Allele origin: unknown. Affected: yes. Observed: 1 variant allele, 1 heterozygote.
Comment: ACMG categories: PVS1,PS4